The following is an entry in ClinVar:

ClinVar aggregate classification (germline): Benign/Likely benign. Review status: criteria provided, multiple submitters, no conflicts (2 of 4 stars). 4 submissions from 4 submitters: Benign (1); Likely benign (3). Last evaluated 2025-07-02.

Conditions:
Hereditary cancer-predisposing syndrome. Also called: Neoplastic Syndromes, Hereditary; Tumor predisposition; Hereditary Cancer Syndrome; Hereditary neoplastic syndrome. Identifiers: Orphanet 140162, MedGen C0027672, MeSH D009386, MONDO:0015356.
Familial cancer of breast. Also called: BREAST CANCER, FAMILIAL; hereditary breast carcinoma; Hereditary breast cancer. Identifiers: Orphanet 227535, MedGen C0346153, MONDO:0016419, OMIM 114480. Disease mechanism: loss of function.

Allele frequency attached by ClinVar (database versions not stated): gnomAD exomes 0.00001.
gnomAD v4.1: 16 of 1,610,984 alleles (0.00099%); highest among the groups gnomAD compares: Non-Finnish European, 0.0014%; no homozygotes.

Submissions (4):

Labcorp Genetics (formerly Invitae), Labcorp
Classification: Likely benign for Familial cancer of breast. Last evaluated: 2025-07-02. Review status: criteria provided, single submitter. Criteria: Invitae Variant Classification Sherloc (09022015). Collection method: clinical testing. Allele origin: germline.

Myriad Genetics, Inc.
Classification: Benign for Familial cancer of breast. Last evaluated: 2024-07-18. Review status: criteria provided, single submitter. Criteria: Myriad Autosomal Dominant, Autosomal Recessive and X-Linked Classification Criteria (2023). Collection method: clinical testing. Allele origin: unknown.
Comment: This variant is considered benign. This variant is a silent/synonymous amino acid change and it is not expected to impact splicing.

Color Diagnostics, LLC DBA Color Health
Classification: Likely benign for Hereditary cancer-predisposing syndrome. Last evaluated: 2019-06-05. Review status: criteria provided, single submitter. Criteria: ACMG Guidelines, 2015. Collection method: clinical testing. Allele origin: germline.

Ambry Genetics
Classification: Likely benign for Hereditary cancer-predisposing syndrome. Last evaluated: 2018-01-11. Review status: criteria provided, single submitter. Criteria: Ambry Variant Classification Scheme 2023. Collection method: clinical testing. Allele origin: germline.

NM_000465.4(BARD1):c.105C>T (p.Ala35=)

Gene: BARD1 (BRCA1 associated RING domain 1; minus strand). Cytogenetic location: 2q35.
Variant type: single nucleotide variant.
Coding change: c.105C>T on transcript NM_000465.4 (MANE Select); coding-DNA position 105, C replaced by T.
Protein change: p.Ala35=; no amino-acid change (alanine 35 retained).
Molecular consequence: synonymous variant. On other transcripts: non-coding transcript variant (3).
Genome position (GRCh38, 1-based): chr2:214,809,465, G>A on the plus strand (C>T on the coding strand, the complement: BARD1 is on the minus strand). VCF-style: chr2-214809465-G-A. GRCh37 (hg19) VCF-style: chr2-215674189-G-A.
Other names: c.105C>T, p.Ala35= (NM_001282543.2, NM_001282545.2, NM_001282548.2 and 1 more transcripts).
Identifiers: ClinVar variation 460688 (VCV000460688.18), dbSNP rs1031199399, ClinGen allele CA64810299.
Genomic context (GRCh38, chr2:214,809,465, plus strand): 5'-TCTTTACCAACGCGAGCAGCGCAGCAGCTTCTCCAGGCGGTCGAGCGCGGCGCGACTGTG[G>A]GCCCAGGCACCGCGACCATCCGGTTCCATGGCGGGCGCGGAACGAGGCTCGTTCCCGGAG-3'
Protein context (NP_000456.2, residues 25-45): AMEPDGRGAW[Ala35=]HSRAALDRLE